The following is an entry in ClinVar:

NM_001298.3(CNGA3):c.719G>A (p.Trp240Ter)

Gene: CNGA3 (cyclic nucleotide gated channel subunit alpha 3; plus strand). Cytogenetic location: 2q11.2.
Variant type: single nucleotide variant.
Coding change: c.719G>A on transcript NM_001298.3 (MANE Select); coding-DNA position 719, G replaced by A.
Protein change: p.Trp240Ter; replaces tryptophan 240 with a stop codon.
Molecular consequence: nonsense.
Genome position (GRCh38, 1-based): chr2:98,395,889, G>A. VCF-style: chr2-98395889-G-A. GRCh37 (hg19) VCF-style: chr2-99012352-G-A.
Other names: c.719G>A (NM_001298.2); c.665G>A, p.Trp222Ter (NM_001079878.2); short protein forms W222*, W240*.
Identifiers: ClinVar variation 2746851 (VCV002746851.4), dbSNP rs2467027312, ClinGen allele CA347831998.

ClinVar aggregate classification (germline): Pathogenic/Likely pathogenic. Review status: criteria provided, multiple submitters, no conflicts (2 of 4 stars). 2 submissions from 2 submitters: Pathogenic (1); Likely pathogenic (1). Last evaluated 2023-07-25.

Submissions (2):

Labcorp Genetics (formerly Invitae), Labcorp
Classification: Pathogenic. Last evaluated: 2023-07-25. Review status: criteria provided, single submitter. Criteria: Invitae Variant Classification Sherloc (09022015). Collection method: clinical testing. Allele origin: germline.
Comment: This variant disrupts a region of the CNGA3 protein in which other variant(s) (p.Arg661Ser) have been determined to be pathogenic (PMID: 24676353, 30711023; Invitae). This suggests that this is a clinically significant region of the protein, and that variants that disrupt it are likely to be disease-causing. This variant has not been reported in the literature in individuals affected with CNGA3-related conditions. This variant is not present in population databases (gnomAD no frequency). This sequence change creates a premature translational stop signal (p.Trp240*) in the CNGA3 gene. While this is not anticipated to result in nonsense mediated decay, it is expected to disrupt the last 455 amino acid(s) of the CNGA3 protein. For these reasons, this variant has been classified as Pathogenic.

GeneDx
Classification: Likely pathogenic. Last evaluated: 2023-06-01. Review status: criteria provided, single submitter. Criteria: GeneDx Variant Classification Process June 2021. Collection method: clinical testing. Allele origin: germline. Affected: yes.
Comment: Nonsense variant predicted to result in protein truncation, as the last 455 amino acids are lost, and other loss-of-function variants have been reported downstream in HGMD; Not observed at significant frequency in large population cohorts (gnomAD); Has not been previously published as pathogenic or benign to our knowledge

Literature cited by the submitters: PubMed 24676353 (cited by Labcorp Genetics (formerly Invitae), Labcorp); PubMed 30711023 (cited by Labcorp Genetics (formerly Invitae), Labcorp).